The following is an entry in ClinVar:

NM_000827.4(GRIA1):c.2625T>C (p.Asn875=)

Gene: GRIA1 (glutamate ionotropic receptor AMPA type subunit 1; plus strand). Cytogenetic location: 5q33.2.
Variant type: single nucleotide variant.
Coding change: c.2625T>C on transcript NM_000827.4 (MANE Select); coding-DNA position 2625, T replaced by C.
Protein change: p.Asn875=; no amino-acid change (asparagine 875 retained).
Molecular consequence: synonymous variant. On other transcripts: non-coding transcript variant (2).
Genome position (GRCh38, 1-based): chr5:153,811,129, T>C. VCF-style: chr5-153811129-T-C. GRCh37 (hg19) VCF-style: chr5-153190689-T-C.
Other names: c.2625T>C, p.Asn875= (NM_001114183.2); c.2385T>C, p.Asn795= (NM_001258019.2); c.2340T>C, p.Asn780= (NM_001258020.2); c.2655T>C, p.Asn885= (NM_001258021.2, NM_001258022.2); c.2418T>C, p.Asn806= (NM_001258023.1, NM_001364167.2); c.2457T>C, p.Asn819= (NM_001364165.2); c.2652T>C, p.Asn884= (NM_001364166.2).
Identifiers: ClinVar variation 736112 (VCV000736112.9), dbSNP rs1180323618, ClinGen allele CA447352424.

ClinVar aggregate classification (germline): Likely benign. Review status: criteria provided, multiple submitters, no conflicts (2 of 4 stars). 2 submissions from 2 submitters: Likely benign (2). Last evaluated 2025-10-01.

Allele frequency attached by ClinVar (database versions not stated): TOPMed 0.00002; gnomAD 0.00003; gnomAD exomes 0.00003 and 0.00004.
gnomAD v4.1: 17 of 1,613,950 alleles (0.0011%); highest among the groups gnomAD compares: Admixed American, 0.023%; no homozygotes.

Submissions (2):

CeGaT Center for Human Genetics Tuebingen
Classification: Likely benign. Last evaluated: 2025-10-01. Review status: criteria provided, single submitter. Criteria: CeGaT Center For Human Genetics Tuebingen Variant Classification Criteria Version 2. Collection method: clinical testing. Allele origin: germline. Affected: yes. Observed: 1 variant allele.
Comment: GRIA1: BP4, BP7

Labcorp Genetics (formerly Invitae), Labcorp
Classification: Likely benign. Last evaluated: 2018-03-29. Review status: criteria provided, single submitter. Criteria: Invitae Variant Classification Sherloc (09022015). Collection method: clinical testing. Allele origin: germline.